The following is an entry in ClinVar:

NM_000124.4(ERCC6):c.1834C>T (p.Arg612Ter)

Gene: ERCC6 (ERCC excision repair 6, chromatin remodeling factor; minus strand). Cytogenetic location: 10q11.23.
Variant type: single nucleotide variant.
Coding change: c.1834C>T on transcript NM_000124.4 (MANE Select); coding-DNA position 1834, C replaced by T.
Protein change: p.Arg612Ter; replaces arginine 612 with a stop codon.
Molecular consequence: nonsense.
Genome position (GRCh38, 1-based): chr10:49,483,504, G>A on the plus strand (C>T on the coding strand, the complement: ERCC6 is on the minus strand). VCF-style: chr10-49483504-G-A. GRCh37 (hg19) VCF-style: chr10-50691550-G-A.
Other names: c.1834C>T, p.Arg612Ter (NM_001346440.2); short protein forms R612*.
Identifiers: ClinVar variation 430298 (VCV000430298.23), dbSNP rs376526037, ClinGen allele CA5495825.

ClinVar aggregate classification (germline): Pathogenic/Likely pathogenic. Review status: criteria provided, multiple submitters, no conflicts (2 of 4 stars). 7 submissions from 7 submitters: Pathogenic (5); Likely pathogenic (1). 1 of the submissions does not count toward it. Last evaluated 2025-08-06.

Conditions:
Lung cancer. Also called: Lung cancer, somatic; Malignant tumor of lung. Identifiers: MedGen C0242379, MONDO:0008903, OMIM 211980.
UV-sensitive syndrome 1 (UVSS1). Identifiers: Orphanet 178338, MedGen C3551173, MONDO:0010909, OMIM 600630.
Premature ovarian failure 11 (POF11). Identifiers: MedGen C4310783, MONDO:0014843, OMIM 616946.
Age related macular degeneration 5. Identifiers: MedGen C3151063, MONDO:0013409, OMIM 613761.
Cockayne syndrome type 2 (CSB). Also called: Cockayne Syndrome, Type II; COCKAYNE SYNDROME B. Identifiers: Orphanet 191, Orphanet 90322, MedGen C0751038, MONDO:0019570, OMIM 133540.
Cerebrooculofacioskeletal syndrome 1 (COFS1). Also called: Cerebro-oculo-facio-skeletal syndrome 1. Identifiers: MedGen C0220722, MONDO:0008955, OMIM 214150.
DE SANCTIS-CACCHIONE SYNDROME. Identifiers: MedGen C0265201, MONDO:0010217, OMIM 278800.
Inborn genetic diseases. Identifiers: MedGen C0950123, MeSH D030342.

Allele frequency attached by ClinVar (database versions not stated): ExAC 0.00002; gnomAD exomes 0.00002 and 0.00003; TOPMed 0.00002; gnomAD 0.00003; ESP Exome Variant Server 0.00015.

Submissions (7):

Labcorp Genetics (formerly Invitae), Labcorp
Classification: Pathogenic. Last evaluated: 2025-08-06. Review status: criteria provided, single submitter. Criteria: Invitae Variant Classification Sherloc (09022015). Collection method: clinical testing. Allele origin: germline.
Comment: This sequence change creates a premature translational stop signal (p.Arg612*) in the ERCC6 gene. It is expected to result in an absent or disrupted protein product. Loss-of-function variants in ERCC6 are known to be pathogenic (PMID: 18628313, 29572252). This variant is present in population databases (rs376526037, gnomAD 0.004%). This premature translational stop signal has been observed in individual(s) with Cockayne disease (PMID: 28440418). ClinVar contains an entry for this variant (Variation ID: 430298). Algorithms developed to predict the effect of sequence changes on RNA splicing suggest that this variant may disrupt the consensus splice site. For these reasons, this variant has been classified as Pathogenic.

Fulgent Genetics
Classification: Pathogenic for Cockayne syndrome type 2; Lung cancer; Cerebrooculofacioskeletal syndrome 1; DE SANCTIS-CACCHIONE SYNDROME; UV-sensitive syndrome 1; Age related macular degeneration 5; Premature ovarian failure 11. Last evaluated: 2024-04-26. Review status: criteria provided, single submitter. Criteria: ACMG Guidelines, 2015. Collection method: clinical testing. Allele origin: germline.

GeneDx
Classification: Likely pathogenic. Last evaluated: 2022-03-21. Review status: criteria provided, single submitter. Criteria: GeneDx Variant Classification Process June 2021. Collection method: clinical testing. Allele origin: germline. Affected: yes.
Comment: Nonsense variant predicted to result in protein truncation or nonsense mediated decay in a gene for which loss of function is a known mechanism of disease; This variant is associated with the following publications: (PMID: 27004399, 29572252, 28440418, 32959227, 34006472, 32005694)

3billion
Classification: Pathogenic for Cerebrooculofacioskeletal syndrome 1. Last evaluated: 2021-10-02. Review status: criteria provided, single submitter. Criteria: ACMG Guidelines, 2015. Collection method: clinical testing. Allele origin: paternal. Affected: yes. Observed: 1 heterozygote.
Comment: Stop-gained (nonsense): predicted to result in a loss or disruption of normal protein function through nonsense-mediated decay (NMD) or protein truncation. Multiple pathogenic variants are reported downstream of the variant (PVS1_VS). It is observed at an extremely low frequency in the gnomAD v2.1.1 dataset (total allele frequency: 0.000021, PM2). The variant has been reported multiple times as an established pathogenic variant (ClinVar ID: VCV000430298.6). Therefore, this variant is classified as pathogenic according to the recommendation of ACMG/AMP guideline.

Ambry Genetics
Classification: Pathogenic for Inborn genetic diseases. Last evaluated: 2017-07-11. Review status: criteria provided, single submitter. Criteria: Ambry exome assertion method (8-5-2015). Collection method: clinical testing. Allele origin: germline. Affected: yes. Observed: 1 variant allele.

Juno Genomics, Hangzhou Juno Genomics, Inc
Classification: Pathogenic for UV-sensitive syndrome 1; DE SANCTIS-CACCHIONE SYNDROME; Lung cancer; Age related macular degeneration 5; Cerebrooculofacioskeletal syndrome 1; Cockayne syndrome type 2; Premature ovarian failure 11. Review status: criteria provided, single submitter. Criteria: ACMG Guidelines, 2015. Collection method: clinical testing. Allele origin: germline.
Comment: Absent from controls (or at extremely low frequency if recessive) in Genome Aggregation Database.;Null variant in a gene where loss of function (LOF) is a known mechanism of disease.;For recessive disorders, detected in trans with a pathogenic variant.;Patient's phenotype or family history is highly specific for a disease with a single genetic etiology.

Counsyl
Classification: Likely pathogenic for DE SANCTIS-CACCHIONE SYNDROME. Last evaluated: 2017-11-13. Review status: no assertion criteria provided. Collection method: clinical testing. Allele origin: unknown. Not counted in ClinVar's aggregate classification.

Literature cited by the submitters: PubMed 18628313 (cited by Labcorp Genetics (formerly Invitae), Labcorp); PubMed 29572252 (cited by Labcorp Genetics (formerly Invitae), Labcorp); PubMed 28440418 (cited by 3 submitters).